The following is an entry in ClinVar:

NM_005655.4(KLF10):c.1429G>A (p.Ala477Thr)

Gene: KLF10 (KLF transcription factor 10; minus strand). Cytogenetic location: 8q22.3.
Variant type: single nucleotide variant.
Coding change: c.1429G>A on transcript NM_005655.4 (MANE Select); coding-DNA position 1429, G replaced by A.
Protein change: p.Ala477Thr; replaces alanine 477 with threonine.
Molecular consequence: missense variant. On other transcripts: non-coding transcript variant (2).
Genome position (GRCh38, 1-based): chr8:102,650,146, C>T on the plus strand (G>A on the coding strand, the complement: KLF10 is on the minus strand). VCF-style: chr8-102650146-C-T. GRCh37 (hg19) VCF-style: chr8-103662374-C-T.
Other names: c.1396G>A, p.Ala466Thr (NM_001032282.4); short protein forms A466T, A477T.
Identifiers: ClinVar variation 3668530 (VCV003668530.2).

ClinVar aggregate classification (germline): Uncertain significance (1 of 4 stars; one submission).

Submission:

Labcorp Genetics (formerly Invitae), Labcorp
Classification: Uncertain significance. Last evaluated: 2024-09-02. Review status: criteria provided, single submitter. Criteria: Invitae Variant Classification Sherloc (09022015). Collection method: clinical testing. Allele origin: germline.
Comment: This sequence change replaces alanine, which is neutral and non-polar, with threonine, which is neutral and polar, at codon 477 of the KLF10 protein (p.Ala477Thr). This variant is not present in population databases (gnomAD no frequency). This variant has not been reported in the literature in individuals affected with KLF10-related conditions. An algorithm developed to predict the effect of missense changes on protein structure and function outputs the following: PolyPhen-2: "Benign". The threonine amino acid residue is found in multiple mammalian species, which suggests that this missense change does not adversely affect protein function. In summary, the available evidence is currently insufficient to determine the role of this variant in disease. Therefore, it has been classified as a Variant of Uncertain Significance.